The following is an entry in ClinVar:

NM_018684.4(ZC4H2):c.398+1_398+3del

Gene: ZC4H2 (zinc finger C4H2-type containing; minus strand). Cytogenetic location: Xq11.2.
Variant type: Deletion.
Coding change: c.398+1_398+3del on transcript NM_018684.4 (MANE Select); the canonical splice donor site of the intron after coding-DNA position 398 through 3 bases into the intron after coding-DNA position 398, 3 bases deleted (GTA; older notation c.398+1_398+3delGTA).
Molecular consequence: splice donor variant.
Genome position (GRCh38, 1-based): chrX:64,920,078-64,920,080, TAC deleted on the plus strand (GTA on the coding strand, the reverse complement: ZC4H2 is on the minus strand); deleting any 3 consecutive bases within chrX:64,920,078-64,920,081 gives the same sequence; the c. name uses the placement nearest the transcript's 3' end. VCF-style (leftmost placement, unchanged base first): chrX-64920077-TTAC-T. GRCh37 (hg19) VCF-style: chrX-64139957-TTAC-T.
Other names: c.329+1_329+3del (NM_001243804.2, NM_001178032.3); c.398+1_398+3del (NM_001178033.3).
Identifiers: ClinVar variation 3376881 (VCV003376881.1).
Genomic context (GRCh38, chrX:64,920,077, plus strand): 5'-TATGTAAGTATGTATGTGGGTCGGAGGGAGGGTATGTTGTAGGGACTGGGGGCAGGTAGC[TTAC>T]TCCAAGGAAAGCTTCTCCTCTTCTTCACACAAGTCAGGGAGCCTCTGCAGGCCCAGAGTC-3'

ClinVar aggregate classification (germline): Likely pathogenic (1 of 4 stars; one submission).

Conditions:
Wieacker-Wolff syndrome, female-restricted (WRWFFR). Identifiers: MedGen C5393303, MONDO:0026762, OMIM 301041.

Submission:

Victorian Clinical Genetics Services, Murdoch Childrens Research Institute
Classification: Likely pathogenic for Wieacker-Wolff syndrome, female-restricted. Last evaluated: 2023-12-21. Review status: criteria provided, single submitter. Criteria: ACMG Guidelines, 2015. Collection method: clinical testing. Allele origin: germline. Inheritance: X-linked dominant inheritance. Affected: yes.
Comment: Based on the classification scheme VCGS_Germline_v1.3.4, this variant is classified as Likely pathogenic. Following criteria are met: 0102 - Loss-of-function is a known mechanism of disease for this gene and is associated with both Wieacker-Wolff syndrome (MIM#314580) and female-restricted Wieacker-Wolff syndrome (MIM#301041). (I) 0108 - This gene is associated with both recessive and dominant disease. More severe loss of function variants are associated with X-linked dominant Wieacker-Wolff syndrome, female-restricted (MIM#301041), while partial loss of function variants are associated with X-linked recessive Wieacker-Wolff syndrome (MIM#314580) (OMIM). (I) 0211 - Canonical splice site variant without proven consequence on splicing (no functional evidence available). (SP) 0251 - This variant is heterozygous. (I) 0301 - Variant is absent from gnomAD (both v2 and v3). (SP) 0505 - Abnormal splicing is predicted by in silico tools and affected nucleotides are highly conserved. (SP) 0705 - No comparable splice variants have previous evidence for pathogenicity. (I) 0807 - This variant has no previous evidence of pathogenicity. (I) 0905 - No published segregation evidence has been identified for this variant. (I) 1007 - No published functional evidence has been identified for this variant. (SP) Legend: (SP) - Supporting pathogenic, (I) - Information, (SB) - Supporting benign